The following is an entry in ClinVar:

NM_000443.4(ABCB4):c.1846G>A (p.Glu616Lys)

Gene: ABCB4 (ATP binding cassette subfamily B member 4; minus strand). Cytogenetic location: 7q21.12.
Variant type: single nucleotide variant.
Coding change: c.1846G>A on transcript NM_000443.4 (MANE Select); coding-DNA position 1846, G replaced by A.
Protein change: p.Glu616Lys; replaces glutamic acid 616 with lysine.
Molecular consequence: missense variant.
Genome position (GRCh38, 1-based): chr7:87,431,451, C>T on the plus strand (G>A on the coding strand, the complement: ABCB4 is on the minus strand). VCF-style: chr7-87431451-C-T. GRCh37 (hg19) VCF-style: chr7-87060767-C-T.
Other names: c.1846G>A, p.Glu616Lys (NM_018849.3, NM_018850.3); c.1846G>A (NM_000443.3); short protein forms E616K.
Identifiers: ClinVar variation 3366394 (VCV003366394.3).

ClinVar aggregate classification (germline): Uncertain significance. Review status: criteria provided, multiple submitters, no conflicts (2 of 4 stars). 3 submissions from 3 submitters: Uncertain significance (3). Last evaluated 2026-09-24.

Conditions:
Familial intrahepatic cholestasis. Identifiers: Orphanet 284385, MedGen CN296401, MONDO:0017290.
ABCB4-related disorder. Also called: ABCB4-related disorders; ABCB4-related condition.

Submissions (3):

PreventionGenetics, part of Exact Sciences
Classification: Uncertain significance for ABCB4-related condition. Last evaluated: 2026-09-24. Review status: criteria provided, single submitter. Criteria: ACMG Guidelines, 2015. Collection method: clinical testing. Allele origin: germline.
Comment: The ABCB4 c.1846G>A variant is predicted to result in the amino acid substitution p.Glu616Lys. This variant has been reported along with a second potentially disease causing ABCB4 variant in an individual with primary sclerosing cholangitis, juvenile cholelithiasis, and hormone-induced cholestasis (Degiorgio et al. 2016. PubMed ID: 26324191). However, no additional information was given to conclusively determine pathogenicity of the variant (e.g., segregation analysis). This variant was also observed in an individual with a history of intrahepatic cholestasis of pregnancy, in the absence of a second ABCB4 variant; this individual also had a truncating variant in ABCB11 (Perrault et al. 2020. PubMed ID: 32651076; Vitale et al. 2023. PubMed ID: 36982896). This variant is reported in 0.0053% of alleles in individuals of European (Non-Finnish) descent in gnomAD. Although we suspect this variant may be pathogenic, at this time, the clinical significance of this variant is uncertain due to the absence of conclusive functional and genetic evidence.

Genomenon, Inc
Classification: Uncertain significance for Familial intrahepatic cholestasis. Last evaluated: 2026-04-14. Review status: criteria provided, single submitter. Criteria: Genomenon Sequence Variant Interpretation Standards - Updated. Collection method: curation. Allele origin: germline. Affected: no.
Comment: ABCB4 p.Glu616Lys (c.1846G>A) is a missense variant that changes the amino acid at residue 616 from Glutamic acid to Lysine. This variant has been reported in the published literature (PMID:38374565;32651076;26324191). It is absent or not present at a significant frequency in gnomAD. In conclusion, we classify ABCB4 p.Glu616Lys (c.1846G>A) as a variant of uncertain significance.

Women's Health and Genetics/Laboratory Corporation of America, LabCorp
Classification: Uncertain significance. Last evaluated: 2024-08-08. Review status: criteria provided, single submitter. Criteria: LabCorp Variant Classification Summary - May 2015. Collection method: clinical testing. Allele origin: germline.
Comment: Variant summary: ABCB4 c.1846G>A (p.Glu616Lys) results in a conservative amino acid change in the encoded protein sequence. Three of five in-silico tools predict a benign effect of the variant on protein function. The variant allele was found at a frequency of 2.4e-05 in 251330 control chromosomes (gnomAD). The available data on variant occurrences in the general population are insufficient to allow any conclusion about variant significance. c.1846G>A has been reported in the literature in individuals affected with features of Familial Intrahepatic Cholestasis (e.g. Degiorgio_2016). These data do not allow any conclusion about variant significance. To our knowledge, no experimental evidence demonstrating an impact on protein function has been reported. The following publications have been ascertained in the context of this evaluation (PMID: 26324191, 32651076). No submitters have cited clinical-significance assessments for this variant to ClinVar. Based on the evidence outlined above, the variant was classified as uncertain significance.

Literature cited by the submitters: PubMed 38374565 (cited by Genomenon, Inc); PubMed 32651076 (cited by Genomenon, Inc and Women's Health and Genetics/Laboratory Corporation of America, LabCorp); PubMed 26324191 (cited by Genomenon, Inc and Women's Health and Genetics/Laboratory Corporation of America, LabCorp).